The following is an entry in ClinVar:

ClinVar aggregate classification (germline): Uncertain significance (1 of 4 stars; one submission).

Conditions:
Inborn genetic diseases. Identifiers: MedGen C0950123, MeSH D030342.

Submission:

Ambry Genetics
Classification: Uncertain significance for Inborn genetic diseases. Last evaluated: 2022-02-28. Review status: criteria provided, single submitter. Criteria: Ambry Variant Classification Scheme 2023. Collection method: clinical testing. Allele origin: germline.
Comment: The c.2488_2490delCCT (p.P830del) alteration is located in exon 24 (coding exon 24) of the NUP188 gene. This alteration consists of an in-frame deletion of 3 nucleotides between nucleotide positions c.2488 and c.2490, resulting in the deletion of 1 residue. Based on insufficient or conflicting evidence, the clinical significance of this alteration remains unclear.

NM_015354.3(NUP188):c.2485CCT[1] (p.Pro830del)

Gene: NUP188 (nucleoporin 188; plus strand). Cytogenetic location: 9q34.11.
Variant type: Microsatellite.
Coding change: c.2485CCT[1] on transcript NM_015354.3 (MANE Select); one copy of the 3-base unit CCT starting at c.2485; the reference has two copies in a row; one copy, 3 bases deleted.
Protein change: p.Pro830del; deletes proline 830.
Molecular consequence: inframe deletion.
Genome position (GRCh38, 1-based): chr9:128,988,141-128,988,143, CCT deleted; deleting any 3 consecutive bases within chr9:128,988,138-128,988,143 gives the same sequence; the position shown is the placement nearest the transcript's 3' end. VCF-style (leftmost placement, unchanged base first): chr9-128988137-ACCT-A. GRCh37 (hg19) VCF-style: chr9-131750416-ACCT-A.
Other names: short protein forms P830del.
Identifiers: ClinVar variation 2367884 (VCV002367884.2), dbSNP rs1467913810, ClinGen allele CA590943199.